The following is an entry in ClinVar:

NM_000432.4(MYL2):c.459G>C (p.Lys153Asn)

Gene: MYL2 (myosin light chain 2; minus strand). Cytogenetic location: 12q24.11.
Variant type: single nucleotide variant.
Coding change: c.459G>C on transcript NM_000432.4 (MANE Select); coding-DNA position 459, G replaced by C.
Protein change: p.Lys153Asn; replaces lysine 153 with asparagine.
Molecular consequence: missense variant.
Genome position (GRCh38, 1-based): chr12:110,911,119, C>G on the plus strand (G>C on the coding strand, the complement: MYL2 is on the minus strand). VCF-style: chr12-110911119-C-G. GRCh37 (hg19) VCF-style: chr12-111348923-C-G.
Other names: short protein forms K153N.
Identifiers: ClinVar variation 43478 (VCV000043478.28), dbSNP rs149078011, ClinGen allele CA010395.

ClinVar aggregate classification (germline): Uncertain significance. Review status: criteria provided, multiple submitters, no conflicts (2 of 4 stars). 8 submissions from 8 submitters: Uncertain significance (8). Last evaluated 2025-07-14.

Conditions:
Cardiovascular phenotype. Identifiers: MedGen CN230736.
Cardiomyopathy (CMYO). Also called: Cardiomyopathies. Identifiers: Orphanet 167848, MedGen C0878544, MONDO:0004994, HP:0001638. Inheritance: Various modes of inheritance.
Hypertrophic cardiomyopathy 10. Also called: CARDIOMYOPATHY, HYPERTROPHIC, MID-LEFT VENTRICULAR CHAMBER TYPE, 2; MYL2-Related Familial Hypertrophic Cardiomyopathy. Identifiers: MedGen C1834460, MONDO:0012112, OMIM 608758.
Hypertrophic cardiomyopathy. Also called: HYPERTROPHIC MYOCARDIOPATHY. Identifiers: Orphanet 217569, MedGen C0007194, MeSH D002312, MONDO:0005045, HP:0001639.

Allele frequency attached by ClinVar (database versions not stated): ExAC 0.00002; gnomAD 0.00003 and 0.00004; TOPMed 0.00003; gnomAD exomes 0.00004; ESP Exome Variant Server 0.00008.

Submissions (8):

Labcorp Genetics (formerly Invitae), Labcorp
Classification: Uncertain significance for Hypertrophic cardiomyopathy 10. Last evaluated: 2025-07-14. Review status: criteria provided, single submitter. Criteria: Invitae Variant Classification Sherloc (09022015). Collection method: clinical testing. Allele origin: germline.
Comment: This sequence change replaces lysine, which is basic and polar, with asparagine, which is neutral and polar, at codon 153 of the MYL2 protein (p.Lys153Asn). This variant is present in population databases (rs149078011, gnomAD 0.006%). This missense change has been observed in individual(s) with hypertrophic cardiomyopathy (PMID: 27532257, 30297972, 37652022). ClinVar contains an entry for this variant (Variation ID: 43478). An algorithm developed to predict the effect of missense changes on protein structure and function (PolyPhen-2) suggests that this variant is likely to be tolerated. In summary, the available evidence is currently insufficient to determine the role of this variant in disease. Therefore, it has been classified as a Variant of Uncertain Significance.

Women's Health and Genetics/Laboratory Corporation of America, LabCorp
Classification: Uncertain significance. Last evaluated: 2024-12-10. Review status: criteria provided, single submitter. Criteria: LabCorp Variant Classification Summary - May 2015. Collection method: clinical testing. Allele origin: germline.
Comment: Variant summary: MYL2 c.459G>C (p.Lys153Asn) results in a non-conservative amino acid change located in the EF-hand domain (IPR002048) of the encoded protein sequence. Three of five in-silico tools predict a benign effect of the variant on protein function. The variant allele was found at a frequency of 3.6e-05 in 249336 control chromosomes. The available data on variant occurrences in the general population are insufficient to allow any conclusion about variant significance. c.459G>C has been reported in the literature in individuals affected with Hypertrophic Cardiomyopathy. These report(s) do not provide unequivocal conclusions about association of the variant with Hypertrophic Cardiomyopathy. To our knowledge, no experimental evidence demonstrating an impact on protein function has been reported. The following publications have been ascertained in the context of this evaluation (PMID: 22958901, 27532257, 30297972). ClinVar contains an entry for this variant (Variation ID: 43478). Based on the evidence outlined above, the variant was classified as uncertain significance.

All of Us Research Program, National Institutes of Health
Classification: Uncertain significance for Hypertrophic cardiomyopathy. Last evaluated: 2024-07-20. Review status: criteria provided, single submitter. Criteria: ACMG Guidelines, 2015. Collection method: clinical testing. Allele origin: germline. Inheritance: Autosomal dominant inheritance. Observed: 17 variant alleles, 17 heterozygotes.
Comment: This missense variant replaces lysine with asparagine at codon 153 of the MYL2 protein. Computational prediction suggests that this variant may not impact protein structure and function (internally defined REVEL score threshold <= 0.5, PMID: 27666373). To our knowledge, functional studies have not been reported for this variant. This variant has been reported in individuals affected with hypertrophic cardiomyopathy (PMID: 27532257, 30297972). This variant has been identified in 10/280724 chromosomes in the general population by the Genome Aggregation Database (gnomAD). The available evidence is insufficient to determine the role of this variant in disease conclusively. Therefore, this variant is classified as a Variant of Uncertain Significance.

This study involves interpretation of variants in research participants for the purpose of population health screening. Participant phenotype was not available at the time of variant classification. Additional details can be found in publication PMID: 35346344, PMCID: PMC8962531

Color Diagnostics, LLC DBA Color Health
Classification: Uncertain significance for Cardiomyopathy. Last evaluated: 2024-07-12. Review status: criteria provided, single submitter. Criteria: ACMG Guidelines, 2015. Collection method: clinical testing. Allele origin: germline.
Comment: This missense variant replaces lysine with asparagine at codon 153 of the MYL2 protein. Computational prediction tools indicate that this variant has a neutral impact on protein structure and function. To our knowledge, functional studies have not been reported for this variant. This variant has been reported in individuals affected with hypertrophic cardiomyopathy (PMID: 27532257, 30297972). This variant has been identified in 10/280724 chromosomes in the general population by the Genome Aggregation Database (gnomAD). The available evidence is insufficient to determine the role of this variant in disease conclusively. Therefore, this variant is classified as a Variant of Uncertain Significance.

Blueprint Genetics
Classification: Uncertain significance. Last evaluated: 2023-09-04. Review status: criteria provided, single submitter. Criteria: ACMG Guidelines, 2015. Collection method: clinical testing. Allele origin: germline.

GeneDx
Classification: Uncertain significance. Last evaluated: 2023-08-17. Review status: criteria provided, single submitter. Criteria: GeneDx Variant Classification Process June 2021. Collection method: clinical testing. Allele origin: germline. Affected: yes.
Comment: Reported in patients with HCM in published literature (Walsh et al., 2017; Ho et al., 2018); In silico analysis supports that this missense variant has a deleterious effect on protein structure/function; This variant is associated with the following publications: (PMID: 27532257, 22958901, 30297972)

Ambry Genetics
Classification: Uncertain significance for Cardiovascular phenotype. Last evaluated: 2020-04-29. Review status: criteria provided, single submitter. Criteria: Ambry Variant Classification Scheme 2023. Collection method: clinical testing. Allele origin: germline.

Laboratory for Molecular Medicine, Mass General Brigham Personalized Medicine
Classification: Uncertain significance. Last evaluated: 2019-08-21. Review status: criteria provided, single submitter. Criteria: LMM Criteria. Collection method: clinical testing. Allele origin: germline. Observed: 3 variant alleles.
Comment: proposed classification - variant undergoing re-assessment, contact laboratory

Literature cited by the submitters: PubMed 27532257 (cited by 4 submitters); PubMed 30297972 (cited by 4 submitters); PubMed 37652022 (cited by Labcorp Genetics (formerly Invitae), Labcorp); PubMed 22958901 (cited by Women's Health and Genetics/Laboratory Corporation of America, LabCorp).